The following is an entry in ClinVar:

NM_000286.3(PEX12):c.586G>C (p.Ala196Pro)

Gene: PEX12 (peroxisomal biogenesis factor 12; minus strand). Cytogenetic location: 17q12.
Variant type: single nucleotide variant.
Coding change: c.586G>C on transcript NM_000286.3 (MANE Select); coding-DNA position 586, G replaced by C.
Protein change: p.Ala196Pro; replaces alanine 196 with proline.
Molecular consequence: missense variant.
Genome position (GRCh38, 1-based): chr17:35,577,132, C>G on the plus strand (G>C on the coding strand, the complement: PEX12 is on the minus strand). VCF-style: chr17-35577132-C-G. GRCh37 (hg19) VCF-style: chr17-33904151-C-G.
Other names: short protein forms A196P.
Identifiers: ClinVar variation 2753211 (VCV002753211.3), dbSNP rs2509169652, ClinGen allele CA399137813.

ClinVar aggregate classification (germline): Likely pathogenic (1 of 4 stars; one submission).

Conditions:
Peroxisome biogenesis disorder 3A (Zellweger). Also called: PEROXISOMAL BIOGENESIS DISORDER 3A (ZELLWEGER); Peroxisome biogenesis disorder 3A. Identifiers: Orphanet 912, MedGen C3553929, MONDO:0013927, OMIM 614859.

gnomAD v4.1: 1 of 1,614,142 alleles (0.000062%); highest among the groups gnomAD compares: South Asian, 0.0011%; no homozygotes.

Submission:

Labcorp Genetics (formerly Invitae), Labcorp
Classification: Likely pathogenic for Peroxisome biogenesis disorder 3A (Zellweger). Last evaluated: 2025-11-21. Review status: criteria provided, single submitter. Criteria: Invitae Variant Classification Sherloc (09022015). Collection method: clinical testing. Allele origin: germline.
Comment: This sequence change replaces alanine, which is neutral and non-polar, with proline, which is neutral and non-polar, at codon 196 of the PEX12 protein (p.Ala196Pro). This variant is not present in population databases (gnomAD no frequency). This missense change has been observed in individual(s) with Zellweger syndrome (internal data). In at least one individual the data is consistent with being in trans (on the opposite chromosome) from a pathogenic variant. ClinVar contains an entry for this variant (Variation ID: 2753211). Invitae Evidence Modeling of protein sequence and biophysical properties (such as structural, functional, and spatial information, amino acid conservation, physicochemical variation, residue mobility, and thermodynamic stability) indicates that this missense variant is expected to disrupt PEX12 protein function with a positive predictive value of 80%. In summary, the currently available evidence indicates that the variant is pathogenic, but additional data are needed to prove that conclusively. Therefore, this variant has been classified as Likely Pathogenic.